The following is an entry in ClinVar:

ClinVar aggregate classification (germline): Pathogenic (1 of 4 stars; one submission).

Conditions:
Leukodystrophy, hypomyelinating, 10. Also called: PYCR2-related microcephaly-progressive leukoencephalopathy. Identifiers: Orphanet 481152, MedGen C4225332, MONDO:0014632, OMIM 616420.

Submission:

3billion
Classification: Pathogenic for Leukodystrophy, hypomyelinating, 10. Last evaluated: 2023-07-31. Review status: criteria provided, single submitter. Criteria: ACMG Guidelines, 2015. Collection method: clinical testing. Allele origin: germline. Affected: yes.
Comment: The variant is not observed in the gnomAD v2.1.1 dataset. Predicted Consequence/Location: Frameshift: predicted to result in a loss or disruption of normal protein function through nonsense-mediated decay (NMD) or protein truncation. Multiple pathogenic variants are reported downstream of the variant. Therefore, this variant is classified as Likely pathogenic according to the recommendation of ACMG/AMP guideline.

NM_013328.4(PYCR2):c.746dup (p.Phe250fs)

Gene: PYCR2 (pyrroline-5-carboxylate reductase 2; minus strand). Cytogenetic location: 1q42.12.
Variant type: Duplication.
Coding change: c.746dup on transcript NM_013328.4 (MANE Select); coding-DNA position 746, one base duplicated (G; older notation c.746dupG).
Protein change: p.Phe250fs; shifts the reading frame from phenylalanine 250.
Molecular consequence: frameshift variant.
Genome position (GRCh38, 1-based): chr1:225,921,259, C duplicated on the plus strand (G on the coding strand, the reverse complement: PYCR2 is on the minus strand); the first of 5 consecutive C bases (chr1:225,921,259-225,921,263); duplicating any one gives the same sequence. VCF-style (leftmost placement, unchanged base first): chr1-225921258-G-GC. GRCh37 (hg19) VCF-style: chr1-226108958-G-GC.
Other names: c.524dup, p.Phe176fs (NM_001271681.2); short protein forms F176fs, F250fs.
Identifiers: ClinVar variation 3775353 (VCV003775353.1).